The following is an entry in ClinVar:

NM_012213.3(MLYCD):c.1289T>C (p.Leu430Pro)

Gene: MLYCD (malonyl-CoA decarboxylase; plus strand). Cytogenetic location: 16q23.3.
Variant type: single nucleotide variant.
Coding change: c.1289T>C on transcript NM_012213.3 (MANE Select); coding-DNA position 1289, T replaced by C.
Protein change: p.Leu430Pro; replaces leucine 430 with proline.
Molecular consequence: missense variant.
Genome position (GRCh38, 1-based): chr16:83,915,296, T>C. VCF-style: chr16-83915296-T-C. GRCh37 (hg19) VCF-style: chr16-83948901-T-C.
Other names: short protein forms L430P.
Identifiers: ClinVar variation 1715595 (VCV001715595.5), dbSNP rs2507392586, ClinGen allele CA396920417.

ClinVar aggregate classification (germline): Uncertain significance (1 of 4 stars; one submission).

Conditions:
Deficiency of malonyl-CoA decarboxylase. Also called: Malonic aciduria; MCD deficiency. Identifiers: Orphanet 943, MedGen C0342793, MONDO:0009556, OMIM 248360.

Submission:

Labcorp Genetics (formerly Invitae), Labcorp
Classification: Uncertain significance for Deficiency of malonyl-CoA decarboxylase. Last evaluated: 2025-03-07. Review status: criteria provided, single submitter. Criteria: Invitae Variant Classification Sherloc (09022015). Collection method: clinical testing. Allele origin: germline.
Comment: This sequence change replaces leucine, which is neutral and non-polar, with proline, which is neutral and non-polar, at codon 430 of the MLYCD protein (p.Leu430Pro). This variant is not present in population databases (gnomAD no frequency). This variant has not been reported in the literature in individuals affected with MLYCD-related conditions. ClinVar contains an entry for this variant (Variation ID: 1715595). Invitae Evidence Modeling of protein sequence and biophysical properties (such as structural, functional, and spatial information, amino acid conservation, physicochemical variation, residue mobility, and thermodynamic stability) indicates that this missense variant is expected to disrupt MLYCD protein function with a positive predictive value of 80%. In summary, the available evidence is currently insufficient to determine the role of this variant in disease. Therefore, it has been classified as a Variant of Uncertain Significance.